The following is an entry in ClinVar:

ClinVar aggregate classification (germline): Uncertain significance (1 of 4 stars; one submission).

Conditions:
Immunodeficiency, common variable, 2 (CVID2). Also called: ANTIBODY DEFICIENCY DUE TO TACI DEFECT; HYPOGAMMAGLOBULINEMIA DUE TO TACI DEFICIENCY. Identifiers: Orphanet 1572, MedGen C3150354, MONDO:0009413, OMIM 240500.

Submission:

Labcorp Genetics (formerly Invitae), Labcorp
Classification: Uncertain significance for Immunodeficiency, common variable, 2. Last evaluated: 2022-09-26. Review status: criteria provided, single submitter. Criteria: Invitae Variant Classification Sherloc (09022015). Collection method: clinical testing. Allele origin: germline.
Comment: This variant is not present in population databases (gnomAD no frequency). This sequence change replaces threonine, which is neutral and polar, with lysine, which is basic and polar, at codon 241 of the TNFRSF13B protein (p.Thr241Lys). This variant has not been reported in the literature in individuals affected with TNFRSF13B-related conditions. Advanced modeling of protein sequence and biophysical properties (such as structural, functional, and spatial information, amino acid conservation, physicochemical variation, residue mobility, and thermodynamic stability) performed at Invitae indicates that this missense variant is expected to disrupt TNFRSF13B protein function. In summary, the available evidence is currently insufficient to determine the role of this variant in disease. Therefore, it has been classified as a Variant of Uncertain Significance.

NM_012452.3(TNFRSF13B):c.722C>A (p.Thr241Lys)

Gene: TNFRSF13B (TNF receptor superfamily member 13B; minus strand). Cytogenetic location: 17p11.2.
Variant type: single nucleotide variant.
Coding change: c.722C>A on transcript NM_012452.3 (MANE Select); coding-DNA position 722, C replaced by A.
Protein change: p.Thr241Lys; replaces threonine 241 with lysine.
Molecular consequence: missense variant.
Genome position (GRCh38, 1-based): chr17:16,939,707, G>T on the plus strand (C>A on the coding strand, the complement: TNFRSF13B is on the minus strand). VCF-style: chr17-16939707-G-T. GRCh37 (hg19) VCF-style: chr17-16843021-G-T.
Other names: short protein forms T241K.
Identifiers: ClinVar variation 2004332 (VCV002004332.4), dbSNP rs370250196, ClinGen allele CA398519153.
Genomic context (GRCh38, chr17:16,939,707, plus strand): 5'-CACCCCCACCTTCCAGCACAAGTGGGGTCGGGGGTCCCAGGCGTGACTGCGCTCTCCTGC[G>T]TGGGCGCCCTGCACTCAGGGAAGCAGAAGCTGCAGGTCTCCACTGGCTCGGGGGATGTGC-3'
Protein context (NP_036584.1, residues 231-251): SFCFPECRAP[Thr241Lys]QESAVTPGTP